The following is an entry in ClinVar:

ClinVar aggregate classification (germline): Pathogenic (1 of 4 stars; one submission).

Conditions:
Polycystic kidney disease, adult type (PKD1). Also called: Polycystic Kidney, Autosomal Dominant; POLYCYSTIC KIDNEY DISEASE, ADULT, TYPE I; Polycystic Kidney Disease 1, Autosomal Dominant; Polycystic kidney disease 1; Polycystic kidney disease 1, severe; POLYCYSTIC KIDNEY DISEASE 1 WITH OR WITHOUT POLYCYSTIC LIVER DISEASE. Identifiers: MedGen C3149841, MONDO:0008263, OMIM 173900.

Submission:

Women's Health and Genetics/Laboratory Corporation of America, LabCorp
Classification: Pathogenic for Polycystic kidney disease, adult type. Last evaluated: 2025-09-09. Review status: criteria provided, single submitter. Criteria: LabCorp Variant Classification Summary - May 2015. Collection method: clinical testing. Allele origin: germline.
Comment: Variant summary: PKD1 c.6792delA (p.Tyr2265ThrfsX49) results in a premature termination codon, predicted to cause a truncation of the encoded protein or absence of the protein due to nonsense mediated decay, which are commonly known mechanisms for disease. The variant was absent in 248586 control chromosomes. To our knowledge, no occurrence of c.6792delA in individuals affected with PKD1-related conditions and no experimental evidence demonstrating its impact on protein function have been reported. No submitters have cited clinical-significance assessments for this variant to ClinVar. Based on the evidence outlined above, the variant was classified as pathogenic.

NM_001009944.3(PKD1):c.6792del (p.Tyr2265fs)

Gene: PKD1 (polycystin 1, transient receptor potential channel interacting; minus strand). Cytogenetic location: 16p13.3.
Variant type: Deletion.
Coding change: c.6792del on transcript NM_001009944.3 (MANE Select); coding-DNA position 6792, one base deleted (A; older notation c.6792delA).
Protein change: p.Tyr2265fs; shifts the reading frame from tyrosine 2265.
Molecular consequence: frameshift variant.
Genome position (GRCh38, 1-based): chr16:2,108,375, T deleted on the plus strand (A on the coding strand, the reverse complement: PKD1 is on the minus strand). VCF-style (leftmost placement, unchanged base first): chr16-2108374-AT-A. GRCh37 (hg19) VCF-style: chr16-2158375-AT-A.
Other names: c.6792del, p.Tyr2265fs (NM_000296.4); c.6792delA (NM_001009944.3); short protein forms Y2265fs.
Identifiers: ClinVar variation 4535651 (VCV004535651.1).
Genomic context (GRCh38, chr16:2,108,374, plus strand): 5'-TGGGGTCGTAGGACTCGCTCCCATCCAGCACCAGGTCCCGTGTGTCTGACCACACGCGGT[AT>A]GAGCCACCCTCAATGATGGGCACCAGGCGCTCGGGGGCCACCGTCACATTGGCCTGGATG-3'